The following is an entry in ClinVar:

ClinVar aggregate classification (germline): Conflicting classifications of pathogenicity. Review status: criteria provided, conflicting classifications (1 of 4 stars). 14 submissions from 14 submitters: Pathogenic (3); Likely pathogenic (5); Uncertain significance (5). 1 of the submissions does not count toward it. Last evaluated 2026-05-29.

Conditions:
DMD-related disorder. Also called: DMD-related condition.
Dilated cardiomyopathy 3B (CMD3B). Also called: CMD3B: DMD-Related Dilated Cardiomyopathy; CARDIOMYOPATHY, DILATED, X-LINKED; DMD-Associated Dilated Cardiomyopathy. Identifiers: Orphanet 154, MedGen C3668940, MONDO:0010542, OMIM 302045.
Duchenne muscular dystrophy (DMD). Also called: Duchenne Muscular Dystrophy (DMD); MUSCULAR DYSTROPHY, PSEUDOHYPERTROPHIC PROGRESSIVE, DUCHENNE TYPE. Identifiers: Orphanet 98896, MedGen C0013264, MONDO:0010679, OMIM 310200.
Becker muscular dystrophy (BMD). Also called: Becker Muscular Dystrophy (BMD); MUSCULAR DYSTROPHY, PSEUDOHYPERTROPHIC PROGRESSIVE, BECKER TYPE. Identifiers: Orphanet 98895, MedGen C0917713, MONDO:0010311, OMIM 300376.
Neuromuscular disease caused by qualitative or quantitative defects of dystrophin. Also called: Qualitative or quantitative defects of dystrophin. Identifiers: Orphanet 207085, MedGen C5679787, MONDO:0016147.
Ptosis. Also called: Ptosis (disease). Identifiers: MedGen C0005745, MONDO:0000728, HP:0000508.
Cardiomyopathy (CMYO). Also called: Cardiomyopathies. Identifiers: Orphanet 167848, MedGen C0878544, MONDO:0004994, HP:0001638. Inheritance: Various modes of inheritance.
Pectus excavatum. Also called: funnel chest. Identifiers: MedGen C2051831, MONDO:0008213, OMIM 169300, HP:0000767.
Proptosis. Also called: Exophthalmos. Identifiers: MedGen C0015300, MONDO:0004770, HP:0000520.
Clinodactyly of the 5th finger. Identifiers: MedGen C1850049, HP:0004209.
Becker muscular dystrophy, Cardiomyopathy, Duchenne muscular dystrophy, Dystrophin deficiency.
Cardiovascular phenotype. Identifiers: MedGen CN230736.

Allele frequency attached by ClinVar (database versions not stated): gnomAD exomes below 0.00001 and 0.00002; gnomAD 0.00003 and 0.00004; ExAC 0.00004; TOPMed 0.00005; ESP Exome Variant Server 0.00019.
gnomAD v4.1: 6 of 1,206,155 alleles (0.0005%); highest among the groups gnomAD compares: African/African-American, 0.0035%; no homozygotes.

Submissions (14):

Athena Diagnostics
Classification: Uncertain significance. Last evaluated: 2026-05-29. Review status: criteria provided, single submitter. Criteria: Athena Diagnostics Criteria. Collection method: clinical testing. Allele origin: unknown.
Comment: This variant is expected to result in the loss of a functional protein. This variant has been identified in multiple clinically healthy male individuals. (PMID: 26046366, PMID 40831153) The frequency of this variant in the general population is uninformative in assessment of its pathogenicity.

PreventionGenetics, part of Exact Sciences
Classification: Uncertain significance for DMD-related condition. Last evaluated: 2026-04-06. Review status: criteria provided, single submitter. Criteria: ACMG Guidelines, 2015. Collection method: clinical testing. Allele origin: germline.
Comment: The DMD c.10247G>A variant is predicted to result in premature protein termination (p.Trp3416*). This variant is reported in 0.011% of alleles in individuals of African descent in gnomAD, including 2 hemizygotes. Although loss-of-function in DMD is commonly reported, the presence of this variant in at least five asymptomatic male individuals is conflicting. At this time, the clinical significance of this variant is uncertain due to the absence of conclusive functional and genetic evidence.

Labcorp Genetics (formerly Invitae), Labcorp
Classification: Pathogenic for Duchenne muscular dystrophy. Last evaluated: 2026-01-12. Review status: criteria provided, single submitter. Criteria: Invitae Variant Classification Sherloc (09022015). Collection method: clinical testing. Allele origin: germline.
Comment: This sequence change creates a premature translational stop signal (p.Trp3416*) in the DMD gene. It is expected to result in an absent or disrupted protein product. Loss-of-function variants in DMD are known to be pathogenic (PMID: 16770791, 25007885). In addition, truncating variants in exon 71 (p.Pro3409Tyr*22, p.Thr3411Asn*22, and p.Leu3412Argfs*7) that result in partial in-frame exon skipping have been observed in individuals with clinical features of mild Becker muscular dystrophy (PMID: 17041906, 23536893). This variant is present in population databases (rs201217593, gnomAD 0.01%). This variant has not been reported in the literature in individuals affected with DMD-related conditions. ClinVar contains an entry for this variant (Variation ID: 374132). Algorithms developed to predict the effect of sequence changes on RNA splicing suggest that this variant may disrupt the consensus splice site. For these reasons, this variant has been classified as Pathogenic.

Women's Health and Genetics/Laboratory Corporation of America, LabCorp
Classification: Likely pathogenic for Neuromuscular disease caused by qualitative or quantitative defects of dystrophin. Last evaluated: 2025-12-28. Review status: criteria provided, single submitter. Criteria: LabCorp Variant Classification Summary - May 2015. Collection method: clinical testing. Allele origin: germline.
Comment: Variant summary: DMD c.10247G>A (p.Trp3416X) results in a premature termination codon, predicted to cause a truncation of the encoded protein or absence of the protein due to nonsense mediated decay, which are commonly known mechanisms for disease. The variant allele was found at a frequency of 2.2e-05 in 179286 control chromosomes, including 1 hemizygous individual with an unknown clinical history. c.10247G>A has not been reported in the literature in individuals affected with Dystrophinopathies. However, it has been reported in at-least one individual with a negative personal/family history for muscle disease as part of the ClinSeq cohort that were selected for atherosclerosis but not for personal or family histories of any other phenotype (Johnston_2015). Loss-of-function variants in DMD are known to be pathogenic (PMID: 16770791, 25007885). In addition, truncating variants in exon 71 (p.Pro3409Tyr*22, p.Thr3411Asn*22, and p.Leu3412Argfs*7) that result in partial in-frame exon skipping have been observed in individuals with clinical features of mild Becker muscular dystrophy (PMID: 17041906, 23536893). To our knowledge, no experimental evidence demonstrating an impact on protein function has been reported. The following publication has been ascertained in the context of this evaluation (PMID: 26046366). ClinVar contains an entry for this variant (Variation ID: 374132). Based on the evidence outlined above, the variant was classified as likely pathogenic.

Natera, Inc.
Classification: Likely pathogenic for Becker muscular dystrophy, Cardiomyopathy, Duchenne muscular dystrophy, Dystrophin deficiency. Last evaluated: 2025-09-30. Review status: criteria provided, single submitter. Criteria: Natera Variant Classification Schema (03/2026). Collection method: clinical testing. Allele origin: germline.
Comment: The c.10247G>A variant in DMD is a nonsense variant predicted to introduce a stop codon at amino acid 3416. This variant is expected to result in nonsense mediated decay, truncation, or a dysfunctional protein product. This variant is rare in the general population with a frequency below the threshold expected for the associated phenotype(s). This variant has been observed in at least one unaffected individual, with a zygosity that is consistent with the inheritance pattern for the associated condition (in gnomAD and/or literature). Given the available evidence, this variant is classified as Likely Pathogenic.

GeneDx
Classification: Uncertain significance. Last evaluated: 2025-07-10. Review status: criteria provided, single submitter. Criteria: GeneDx Variant Classification Process June 2021. Collection method: clinical testing. Allele origin: germline. Affected: yes.
Comment: Reported as a heterozygous variant in a patient with atherosclerosis in published literature (PMID: 26046366); Nonsense variant predicted to result in protein truncation or nonsense mediated decay in a gene for which loss of function is a known mechanism of disease; Based on the understanding of this genetic alteration, it may be amenable to nonsense read-through therapy that is currently available or in clinical trial; This variant is associated with the following publications: (PMID: 26046366)

Ambry Genetics
Classification: Pathogenic for Cardiovascular phenotype. Last evaluated: 2024-08-08. Review status: criteria provided, single submitter. Criteria: Ambry Variant Classification Scheme 2023. Collection method: clinical testing. Allele origin: germline.
Comment: The p.W3416* pathogenic mutation (also known as c.10247G>A), located in coding exon 71 of the DMD gene, results from a G to A substitution at nucleotide position 10247. This changes the amino acid from a tryptophan to a stop codon within coding exon 71. This alteration is expected to result in loss of function by premature protein truncation or nonsense-mediated mRNA decay. As such, this alteration is interpreted as a disease-causing mutation.

Baylor Genetics
Classification: Likely pathogenic for Becker muscular dystrophy. Last evaluated: 2023-11-21. Review status: criteria provided, single submitter. Criteria: ACMG Guidelines, 2015. Collection method: clinical testing. Allele origin: unknown.

Revvity Omics, Revvity
Classification: Likely pathogenic. Last evaluated: 2022-12-29. Review status: criteria provided, single submitter. Criteria: ACMG Guidelines, 2015. Collection method: clinical testing. Allele origin: germline.

Greenwood Genetic Center Diagnostic Laboratories, Greenwood Genetic Center
Classification: Uncertain significance. Last evaluated: 2022-10-17. Review status: criteria provided, single submitter. Criteria: ACMG Guidelines, 2015. Collection method: clinical testing. Allele origin: germline. Affected: yes.
Comment: PP3

Mendelics
Classification: Uncertain significance. Last evaluated: 2022-05-04. Review status: criteria provided, single submitter. Criteria: Mendelics Assertion Criteria 2019. Collection method: clinical testing. Allele origin: germline.

Fulgent Genetics
Classification: Pathogenic for Becker muscular dystrophy; Dilated cardiomyopathy 3B; Duchenne muscular dystrophy. Last evaluated: 2018-10-31. Review status: criteria provided, single submitter. Criteria: ACMG Guidelines, 2015. Collection method: clinical testing. Allele origin: unknown.

Centre for Mendelian Genomics, University Medical Centre Ljubljana
Classification: Likely pathogenic for Cardiomyopathy; Clinodactyly of the 5th finger; Pectus excavatum; Proptosis; Ptosis. Last evaluated: 2014-10-03. Review status: criteria provided, single submitter. Criteria: ACMG Guidelines, 2015. Collection method: clinical testing. Allele origin: unknown. Affected: yes.

Department of Human Genetics, Gilbert and Rose-marie Chagoury School of Medicine, Lebanese American University
Classification: Benign for Duchenne muscular dystrophy. Last evaluated: 2025-06-01. Review status: no assertion criteria provided. Collection method: clinical testing. Allele origin: germline. Inheritance: X-linked inheritance. Affected: no. Observed: 1 hemizygote. Not counted in ClinVar's aggregate classification.
Comment: Five Lebanese families were studied, and several asymptomatic male individuals over the age of 65 were identified as carriers of the variant. These aged carriers remain clinically healthy, with no signs of muscle weakness or cardiac involvement, further supporting the notion of a mild or non-pathogenic effect of the variant.

Literature cited by the submitters: PubMed 26046366 (cited by 3 submitters); PubMed 32813700 (cited by Athena Diagnostics); PubMed 40831153 (cited by Athena Diagnostics); PubMed 16770791 (cited by Labcorp Genetics (formerly Invitae), Labcorp); PubMed 25007885 (cited by Labcorp Genetics (formerly Invitae), Labcorp); PubMed 17041906 (cited by Labcorp Genetics (formerly Invitae), Labcorp); PubMed 23536893 (cited by Labcorp Genetics (formerly Invitae), Labcorp).

NM_004006.3(DMD):c.10247G>A (p.Trp3416Ter)

Gene: DMD (dystrophin; minus strand). Cytogenetic location: Xp21.2.
Variant type: single nucleotide variant.
Coding change: c.10247G>A on transcript NM_004006.3 (MANE Select); coding-DNA position 10247, G replaced by A.
Protein change: p.Trp3416Ter; replaces tryptophan 3416 with a stop codon.
Molecular consequence: nonsense. On other transcripts: intron variant (5).
Genome position (GRCh38, 1-based): chrX:31,177,947, C>T on the plus strand (G>A on the coding strand, the complement: DMD is on the minus strand). VCF-style: chrX-31177947-C-T. GRCh37 (hg19) VCF-style: chrX-31196064-C-T.
Other names: c.10223G>A, p.Trp3408Ter (NM_000109.4); c.10235G>A, p.Trp3412Ter (NM_004009.3); c.9878G>A, p.Trp3293Ter (NM_004010.3); c.6224G>A, p.Trp2075Ter (NM_004011.4); c.6215G>A, p.Trp2072Ter (NM_004012.4); c.2867G>A, p.Trp956Ter (NM_004013.3, NM_004021.3); c.2060G>A, p.Trp687Ter (NM_004014.3); c.1043G>A, p.Trp348Ter (NM_004015.3, NM_004016.3); and 2 more; short protein forms W3416*, W3412*, W687*, W2075*, W3293*, W2072*, W3408*, W956*.
Identifiers: ClinVar variation 374132 (VCV000374132.35), dbSNP rs201217593, ClinGen allele CA10377653.